The following is an entry in ClinVar:

NM_199355.4(ADAMTS18):c.836C>G (p.Ser279Cys)

Gene: ADAMTS18 (ADAM metallopeptidase with thrombospondin type 1 motif 18; minus strand). Cytogenetic location: 16q23.1.
Variant type: single nucleotide variant.
Coding change: c.836C>G on transcript NM_199355.4 (MANE Select); coding-DNA position 836, C replaced by G.
Protein change: p.Ser279Cys; replaces serine 279 with cysteine.
Molecular consequence: missense variant.
Genome position (GRCh38, 1-based): chr16:77,364,324, G>C on the plus strand (C>G on the coding strand, the complement: ADAMTS18 is on the minus strand). VCF-style: chr16-77364324-G-C. GRCh37 (hg19) VCF-style: chr16-77398221-G-C.
Other names: c.320C>G, p.Ser107Cys (NM_001326358.2); short protein forms S107C, S279C.
Identifiers: ClinVar variation 1348623 (VCV001348623.6), dbSNP rs369167381, ClinGen allele CA8181531.

ClinVar aggregate classification (germline): Uncertain significance (1 of 4 stars; one submission).

Allele frequency attached by ClinVar (database versions not stated): gnomAD exomes 0.00001; ExAC 0.00002; ESP Exome Variant Server 0.00008.
gnomAD v4.1: 8 of 1,613,768 alleles (0.0005%); highest among the groups gnomAD compares: African/African-American, 0.0013%; no homozygotes.

Submission:

Labcorp Genetics (formerly Invitae), Labcorp
Classification: Uncertain significance. Last evaluated: 2025-06-01. Review status: criteria provided, single submitter. Criteria: Invitae Variant Classification Sherloc (09022015). Collection method: clinical testing. Allele origin: germline.
Comment: This sequence change replaces serine, which is neutral and polar, with cysteine, which is neutral and slightly polar, at codon 279 of the ADAMTS18 protein (p.Ser279Cys). This variant is present in population databases (rs369167381, gnomAD 0.003%). This variant has not been reported in the literature in individuals affected with ADAMTS18-related conditions. ClinVar contains an entry for this variant (Variation ID: 1348623). An algorithm developed to predict the effect of missense changes on protein structure and function (PolyPhen-2) suggests that this variant is likely to be tolerated. In summary, the available evidence is currently insufficient to determine the role of this variant in disease. Therefore, it has been classified as a Variant of Uncertain Significance.